The following is an entry in ClinVar:

ClinVar aggregate classification (germline): Pathogenic. Review status: criteria provided, single submitter (1 of 4 stars). 2 submissions from 2 submitters: Pathogenic (1). 1 of the submissions does not count toward it. Last evaluated 2023-06-15.

Conditions:
Fanconi anemia (FA). Also called: Fanconi's anemia. Identifiers: Orphanet 84, MedGen C0015625, MeSH D005199, MONDO:0019391.
Fanconi anemia complementation group A (FANCA). Also called: FANCA-Related Fanconi Anemia; Fanconi anemia, group A. Identifiers: Orphanet 84, MedGen C3469521, MONDO:0009215, OMIM 227650.

Submissions (2):

Labcorp Genetics (formerly Invitae), Labcorp
Classification: Pathogenic for Fanconi anemia. Last evaluated: 2023-06-15. Review status: criteria provided, single submitter. Criteria: Invitae Variant Classification Sherloc (09022015). Collection method: clinical testing. Allele origin: germline.
Comment: ClinVar contains an entry for this variant (Variation ID: 188302). For these reasons, this variant has been classified as Pathogenic. Variants that disrupt the consensus splice site are a relatively common cause of aberrant splicing (PMID: 17576681, 9536098). Studies have shown that this variant results in skipping of exon 3 and introduces a premature termination codon (PMID: 12955722). The resulting mRNA is expected to undergo nonsense-mediated decay. This variant has been observed in individual(s) with fanconi anemia (PMID: 12955722). This variant is not present in population databases (gnomAD no frequency). This sequence change falls in intron 3 of the FANCA gene. It does not directly change the encoded amino acid sequence of the FANCA protein. RNA analysis indicates that this variant induces altered splicing and may result in an absent or disrupted protein product.

Leiden Open Variation Database
Classification: Pathogenic for Fanconi anemia complementation group A. Last evaluated: 2020-02-28. Review status: no assertion criteria provided. Collection method: curation. Allele origin: germline. Affected: yes. Not counted in ClinVar's aggregate classification.
Comment: Curator: Arleen D. Auerbach. Submitter to LOVD: Arleen D. Auerbach.

Literature cited by the submitters: PubMed 17576681 (cited by Labcorp Genetics (formerly Invitae), Labcorp); PubMed 9536098 (cited by Labcorp Genetics (formerly Invitae), Labcorp); PubMed 12955722 (cited by Labcorp Genetics (formerly Invitae), Labcorp and Leiden Open Variation Database).

NM_000135.4(FANCA):c.283+3A>C

Gene: FANCA (FA complementation group A; minus strand). Cytogenetic location: 16q24.3.
Variant type: single nucleotide variant.
Coding change: c.283+3A>C on transcript NM_000135.4 (MANE Select); 3 bases into the intron after coding-DNA position 283, A replaced by C.
Molecular consequence: intron variant.
Genome position (GRCh38, 1-based): chr16:89,814,517, T>G on the plus strand (A>C on the coding strand, the complement: FANCA is on the minus strand). VCF-style: chr16-89814517-T-G. GRCh37 (hg19) VCF-style: chr16-89880925-T-G.
Other names: c.283+3A>C (NM_001286167.3, NM_001351830.2, NM_001018112.3 and 1 more transcripts).
Identifiers: ClinVar variation 188302 (VCV000188302.8), dbSNP rs786204204, ClinGen allele CA334564.